The following is an entry in ClinVar:

NM_032861.4(SERAC1):c.1266dup (p.Pro423fs)

Gene: SERAC1 (serine active site containing 1; minus strand). Cytogenetic location: 6q25.3.
Variant type: Duplication.
Coding change: c.1266dup on transcript NM_032861.4 (MANE Select); coding-DNA position 1266, one base duplicated (A; older notation c.1266dupA).
Protein change: p.Pro423fs; shifts the reading frame from proline 423.
Molecular consequence: frameshift variant. On other transcripts: non-coding transcript variant (1).
Genome position (GRCh38, 1-based): chr6:158,119,071, T duplicated on the plus strand (A on the coding strand, the reverse complement: SERAC1 is on the minus strand); the first of 5 consecutive T bases (chr6:158,119,071-158,119,075); duplicating any one gives the same sequence. VCF-style (leftmost placement, unchanged base first): chr6-158119070-G-GT. GRCh37 (hg19) VCF-style: chr6-158540102-G-GT.
Other names: short protein forms P423fs.
Identifiers: ClinVar variation 1961244 (VCV001961244.5), dbSNP rs927446955, ClinGen allele CA150919344.

ClinVar aggregate classification (germline): Pathogenic (1 of 4 stars; one submission).

Conditions:
3-methylglutaconic aciduria with deafness, encephalopathy, and Leigh-like syndrome (MEGDEL). Also called: MEGDEL syndrome; 3-METHYLGLUTACONIC ACIDURIA, TYPE VI; SERAC1 Deficiency. Identifiers: Orphanet 352328, MedGen C4040739, MONDO:0013875, OMIM 614739.

Submission:

Labcorp Genetics (formerly Invitae), Labcorp
Classification: Pathogenic for 3-methylglutaconic aciduria with deafness, encephalopathy, and Leigh-like syndrome. Last evaluated: 2022-04-25. Review status: criteria provided, single submitter. Criteria: Invitae Variant Classification Sherloc (09022015). Collection method: clinical testing. Allele origin: germline.
Comment: For these reasons, this variant has been classified as Pathogenic. This variant has not been reported in the literature in individuals affected with SERAC1-related conditions. This variant is not present in population databases (gnomAD no frequency). This sequence change creates a premature translational stop signal (p.Pro423Thrfs*5) in the SERAC1 gene. It is expected to result in an absent or disrupted protein product. Loss-of-function variants in SERAC1 are known to be pathogenic (PMID: 22683713).

Literature cited by the submitters: PubMed 22683713.